The following is an entry in ClinVar:

ClinVar aggregate classification (germline): Uncertain significance. Review status: criteria provided, single submitter (1 of 4 stars). 2 submissions from 2 submitters: Uncertain significance (1). 1 of the submissions does not count toward it. Last evaluated 2025-11-03.

Conditions:
SEMA3E-related disorder. Also called: SEMA3E-related condition.
CHARGE syndrome (CHARGE). Also called: Hittner Hirsch Kreh syndrome; Coloboma, heart anomaly, choanal atresia, retardation, genital and ear anomalies; CHARGE association; Hall-Hittner syndrome; CHARGE ASSOCIATION--COLOBOMA, HEART ANOMALY, CHOANAL ATRESIA, RETARDATION, GENITAL AND EAR ANOMALIES. Identifiers: Orphanet 138, MedGen C0265354, MONDO:0008965.

Allele frequency attached by ClinVar (database versions not stated): TOPMed below 0.00001; gnomAD 0.00001.
gnomAD v4.1: 28 of 1,612,534 alleles (0.0017%); highest among the groups gnomAD compares: South Asian, 0.0099%; no homozygotes.

Submissions (2):

Labcorp Genetics (formerly Invitae), Labcorp
Classification: Uncertain significance for CHARGE syndrome. Last evaluated: 2025-11-03. Review status: criteria provided, single submitter. Criteria: Invitae Variant Classification Sherloc (09022015). Collection method: clinical testing. Allele origin: germline.
Comment: This sequence change replaces glycine, which is neutral and non-polar, with serine, which is neutral and polar, at codon 89 of the SEMA3E protein (p.Gly89Ser). This variant is present in population databases (rs759100269, gnomAD 0.006%). This variant has not been reported in the literature in individuals affected with SEMA3E-related conditions. ClinVar contains an entry for this variant (Variation ID: 953789). Invitae Evidence Modeling of protein sequence and biophysical properties (such as structural, functional, and spatial information, amino acid conservation, physicochemical variation, residue mobility, and thermodynamic stability) indicates that this missense variant is not expected to disrupt SEMA3E protein function with a negative predictive value of 80%. In summary, the available evidence is currently insufficient to determine the role of this variant in disease. Therefore, it has been classified as a Variant of Uncertain Significance.

PreventionGenetics, part of Exact Sciences
Classification: Uncertain significance for SEMA3E-related condition. Last evaluated: 2024-01-29. Review status: no assertion criteria provided. Collection method: clinical testing. Allele origin: germline. Not counted in ClinVar's aggregate classification.
Comment: The SEMA3E c.265G>A variant is predicted to result in the amino acid substitution p.Gly89Ser. To our knowledge, this variant has not been reported in the literature. This variant is reported in 0.0057% of alleles in individuals of Latino descent in gnomAD. At this time, the clinical significance of this variant is uncertain due to the absence of conclusive functional and genetic evidence.

NM_012431.3(SEMA3E):c.265G>A (p.Gly89Ser)

Gene: SEMA3E (semaphorin 3E; minus strand). Cytogenetic location: 7q21.11.
Variant type: single nucleotide variant.
Coding change: c.265G>A on transcript NM_012431.3 (MANE Select); coding-DNA position 265, G replaced by A.
Protein change: p.Gly89Ser; replaces glycine 89 with serine.
Molecular consequence: missense variant.
Genome position (GRCh38, 1-based): chr7:83,490,125, C>T on the plus strand (G>A on the coding strand, the complement: SEMA3E is on the minus strand). VCF-style: chr7-83490125-C-T. GRCh37 (hg19) VCF-style: chr7-83119441-C-T.
Other names: c.85G>A, p.Gly29Ser (NM_001178129.2); short protein forms G29S, G89S.
Identifiers: ClinVar variation 953789 (VCV000953789.11), dbSNP rs759100269, ClinGen allele CA4322411.